The following is an entry in ClinVar:

NM_005932.4(MIPEP):c.1679G>A (p.Arg560His)

Gene: MIPEP (mitochondrial intermediate peptidase; minus strand). Cytogenetic location: 13q12.12.
Variant type: single nucleotide variant.
Coding change: c.1679G>A on transcript NM_005932.4 (MANE Select); coding-DNA position 1679, G replaced by A.
Protein change: p.Arg560His; replaces arginine 560 with histidine.
Molecular consequence: missense variant.
Genome position (GRCh38, 1-based): chr13:23,809,899, C>T on the plus strand (G>A on the coding strand, the complement: MIPEP is on the minus strand). VCF-style: chr13-23809899-C-T. GRCh37 (hg19) VCF-style: chr13-24384038-C-T.
Other names: short protein forms R560H.
Identifiers: ClinVar variation 587593 (VCV000587593.12), dbSNP rs753252850, ClinGen allele CA6912896.

ClinVar aggregate classification (germline): Uncertain significance. Review status: criteria provided, multiple submitters, no conflicts (2 of 4 stars). 3 submissions from 3 submitters: Uncertain significance (3). Last evaluated 2023-11-27.

Conditions:
Inborn genetic diseases. Identifiers: MedGen C0950123, MeSH D030342.
Lethal left ventricular non-compaction-seizures-hypotonia-cataract-developmental delay syndrome. Also called: Combined oxidative phosphorylation deficiency 31. Identifiers: Orphanet 478049, MedGen C4310661, MONDO:0014976, OMIM 617228.

Allele frequency attached by ClinVar (database versions not stated): gnomAD 0.00002; ExAC 0.00004; TOPMed 0.00004; gnomAD exomes 0.00005.
gnomAD v4.1: 68 of 1,613,162 alleles (0.0042%); highest among the groups gnomAD compares: Middle Eastern, 0.016%; no homozygotes.

Submissions (3):

Labcorp Genetics (formerly Invitae), Labcorp
Classification: Uncertain significance. Last evaluated: 2023-11-27. Review status: criteria provided, single submitter. Criteria: Invitae Variant Classification Sherloc (09022015). Collection method: clinical testing. Allele origin: germline.
Comment: This sequence change replaces arginine, which is basic and polar, with histidine, which is basic and polar, at codon 560 of the MIPEP protein (p.Arg560His). This variant is present in population databases (rs753252850, gnomAD 0.01%). This variant has not been reported in the literature in individuals affected with MIPEP-related conditions. ClinVar contains an entry for this variant (Variation ID: 587593). Advanced modeling of protein sequence and biophysical properties (such as structural, functional, and spatial information, amino acid conservation, physicochemical variation, residue mobility, and thermodynamic stability) performed at Invitae indicates that this missense variant is not expected to disrupt MIPEP protein function with a negative predictive value of 80%. In summary, the available evidence is currently insufficient to determine the role of this variant in disease. Therefore, it has been classified as a Variant of Uncertain Significance.

Ambry Genetics
Classification: Uncertain significance for Inborn genetic diseases. Last evaluated: 2021-09-01. Review status: criteria provided, single submitter. Criteria: Ambry Variant Classification Scheme 2023. Collection method: clinical testing. Allele origin: germline.

Genomic Research Center, Shahid Beheshti University of Medical Sciences
Classification: Uncertain significance for Combined oxidative phosphorylation deficiency 31. Last evaluated: 2018-08-07. Review status: criteria provided, single submitter. Criteria: ACMG Guidelines, 2015. Collection method: clinical testing. Allele origin: inherited. Affected: no. Observed: 1 variant allele.